The following is an entry in ClinVar:

ClinVar aggregate classification (germline): Uncertain significance (1 of 4 stars; one submission).

Allele frequency attached by ClinVar (database versions not stated): gnomAD exomes below 0.00001; ExAC 0.00001.
gnomAD v4.1: 1 of 1,613,966 alleles (0.000062%); highest among the groups gnomAD compares: Non-Finnish European, 0.000085%; no homozygotes.

Submission:

Ambry Genetics
Classification: Uncertain significance. Last evaluated: 2022-11-03. Review status: criteria provided, single submitter. Criteria: Ambry Variant Classification Scheme 2023. Collection method: clinical testing. Allele origin: germline.
Comment: The p.D710A variant (also known as c.2129A>C), located in coding exon 18 of the BUB1 gene, results from an A to C substitution at nucleotide position 2129. The aspartic acid at codon 710 is replaced by alanine, an amino acid with dissimilar properties. This amino acid position is conserved. In addition, this alteration is predicted to be tolerated by in silico analysis. Since supporting evidence is limited at this time, the clinical significance of this alteration remains unclear.

NM_004336.5(BUB1):c.2129A>C (p.Asp710Ala)

Gene: BUB1 (BUB1 mitotic checkpoint serine/threonine kinase; minus strand). Cytogenetic location: 2q13.
Variant type: single nucleotide variant.
Coding change: c.2129A>C on transcript NM_004336.5 (MANE Select); coding-DNA position 2129, A replaced by C.
Protein change: p.Asp710Ala; replaces aspartic acid 710 with alanine.
Molecular consequence: missense variant.
Genome position (GRCh38, 1-based): chr2:110,650,620, T>G on the plus strand (A>C on the coding strand, the complement: BUB1 is on the minus strand). VCF-style: chr2-110650620-T-G. GRCh37 (hg19) VCF-style: chr2-111408197-T-G.
Other names: c.2069A>C, p.Asp690Ala (NM_001278616.2); c.2129A>C, p.Asp710Ala (NM_001278617.2); short protein forms D710A, D690A.
Identifiers: ClinVar variation 2464911 (VCV002464911.2), dbSNP rs753199863, ClinGen allele CA1827887.